The following is an entry in ClinVar:

ClinVar aggregate classification (germline): Uncertain significance. Review status: criteria provided, multiple submitters, no conflicts (2 of 4 stars). 3 submissions from 3 submitters: Uncertain significance (3). Last evaluated 2025-08-01.

Conditions:
Autosomal dominant nonsyndromic hearing loss 1. Also called: KONIGSMARK SYNDROME; DEAFNESS, AUTOSOMAL DOMINANT 1, WITH OR WITHOUT THROMBOCYTOPENIA. Identifiers: Orphanet 90635, MedGen C1852282, MONDO:0007424, OMIM 124900.
Progressive microcephaly-seizures-cortical blindness-developmental delay syndrome. Also called: Seizures, cortical blindness, and microcephaly syndrome. Identifiers: Orphanet 477814, MedGen C5567650, MONDO:0014714, OMIM 616632.
Inborn genetic diseases. Identifiers: MedGen C0950123, MeSH D030342.

Allele frequency attached by ClinVar (database versions not stated): gnomAD exomes below 0.00001 and 0.00001; ExAC 0.00001; gnomAD 0.00001; TOPMed 0.00002.
gnomAD v4.1: 5 of 1,614,070 alleles (0.00031%); highest among the groups gnomAD compares: Non-Finnish European, 0.00042%; no homozygotes.

Submissions (3):

Ambry Genetics
Classification: Uncertain significance for Inborn genetic diseases. Last evaluated: 2025-08-01. Review status: criteria provided, single submitter. Criteria: Ambry Variant Classification Scheme 2023. Collection method: clinical testing. Allele origin: germline.

Labcorp Genetics (formerly Invitae), Labcorp
Classification: Uncertain significance for Progressive microcephaly-seizures-cortical blindness-developmental delay syndrome; Autosomal dominant nonsyndromic hearing loss 1. Last evaluated: 2024-12-03. Review status: criteria provided, single submitter. Criteria: Invitae Variant Classification Sherloc (09022015). Collection method: clinical testing. Allele origin: germline.
Comment: This sequence change replaces aspartic acid, which is acidic and polar, with histidine, which is basic and polar, at codon 515 of the DIAPH1 protein (p.Asp515His). This variant is present in population databases (rs759051179, gnomAD 0.0009%). This variant has not been reported in the literature in individuals affected with DIAPH1-related conditions. ClinVar contains an entry for this variant (Variation ID: 1037063). Experimental studies and prediction algorithms are not available or were not evaluated, and the functional significance of this variant is currently unknown. In summary, the available evidence is currently insufficient to determine the role of this variant in disease. Therefore, it has been classified as a Variant of Uncertain Significance.

GeneDx
Classification: Uncertain significance. Last evaluated: 2022-11-09. Review status: criteria provided, single submitter. Criteria: GeneDx Variant Classification Process June 2021. Collection method: clinical testing. Allele origin: germline. Affected: yes.
Comment: In silico analysis, which includes protein predictors and evolutionary conservation, supports that this variant does not alter protein structure/function; Not observed at significant frequency in large population cohorts (gnomAD); Has not been previously published as pathogenic or benign to our knowledge

NM_005219.5(DIAPH1):c.1543G>C (p.Asp515His)

Gene: DIAPH1 (diaphanous related formin 1; minus strand). Cytogenetic location: 5q31.3.
Variant type: single nucleotide variant.
Coding change: c.1543G>C on transcript NM_005219.5 (MANE Select); coding-DNA position 1543, G replaced by C.
Protein change: p.Asp515His; replaces aspartic acid 515 with histidine.
Molecular consequence: missense variant.
Genome position (GRCh38, 1-based): chr5:141,575,065, C>G on the plus strand (G>C on the coding strand, the complement: DIAPH1 is on the minus strand). VCF-style: chr5-141575065-C-G. GRCh37 (hg19) VCF-style: chr5-140954632-C-G.
Other names: c.1516G>C, p.Asp506His (NM_001079812.3); c.1543G>C, p.Asp515His (NM_001314007.2); short protein forms D515H, D506H.
Identifiers: ClinVar variation 1037063 (VCV001037063.12), dbSNP rs759051179, ClinGen allele CA3479265.
Genomic context (GRCh38, chr5:141,575,065, plus strand): 5'-GTTTCTCTGTGGCAATTTGCTGCTTTTCAGAATGCAGTGCATCTTTTTCTCCCTGAAGAT[C>G]TTGAAGCTTCTGCTCAAAGTCACTTTCCATCTTTTTCATTTCCACCTGTAGCTCATGTCG-3'
Protein context (NP_005210.3, residues 505-525): MESDFEQKLQ[Asp515His]LQGEKDALHS